The following is an entry in ClinVar:

ClinVar aggregate classification (germline): Uncertain significance (1 of 4 stars; one submission).

Allele frequency attached by ClinVar (database versions not stated): gnomAD exomes 0.00001.
gnomAD v4.1: 8 of 1,614,182 alleles (0.0005%); highest among the groups gnomAD compares: Non-Finnish European, 0.00068%; no homozygotes.

Submission:

Labcorp Genetics (formerly Invitae), Labcorp
Classification: Uncertain significance. Last evaluated: 2022-01-26. Review status: criteria provided, single submitter. Criteria: Invitae Variant Classification Sherloc (09022015). Collection method: clinical testing. Allele origin: germline.
Comment: This sequence change replaces leucine, which is neutral and non-polar, with proline, which is neutral and non-polar, at codon 114 of the HEPACAM protein (p.Leu114Pro). This variant is not present in population databases (gnomAD no frequency). This variant has not been reported in the literature in individuals affected with HEPACAM-related conditions. Algorithms developed to predict the effect of missense changes on protein structure and function are either unavailable or do not agree on the potential impact of this missense change (SIFT: "Deleterious"; PolyPhen-2: "Benign"; Align-GVGD: "Class C0"). In summary, the available evidence is currently insufficient to determine the role of this variant in disease. Therefore, it has been classified as a Variant of Uncertain Significance.

NM_152722.5(HEPACAM):c.341T>C (p.Leu114Pro)

Gene: HEPACAM (hepatic and glial cell adhesion molecule; minus strand). Cytogenetic location: 11q24.2.
Variant type: single nucleotide variant.
Coding change: c.341T>C on transcript NM_152722.5 (MANE Select); coding-DNA position 341, T replaced by C.
Protein change: p.Leu114Pro; replaces leucine 114 with proline.
Molecular consequence: missense variant.
Genome position (GRCh38, 1-based): chr11:124,924,814, A>G on the plus strand (T>C on the coding strand, the complement: HEPACAM is on the minus strand). VCF-style: chr11-124924814-A-G. GRCh37 (hg19) VCF-style: chr11-124794710-A-G.
Other names: c.341T>C, p.Leu114Pro (NM_001411043.1); short protein forms L114P.
Identifiers: ClinVar variation 2089672 (VCV002089672.4), dbSNP rs2497468945, ClinGen allele CA383143075.